The following is an entry in ClinVar:

NM_001242896.3(DEPDC5):c.3158G>T (p.Cys1053Phe)

Gene: DEPDC5 (DEP domain containing 5, GATOR1 subcomplex subunit; plus strand). Cytogenetic location: 22q12.3.
Variant type: single nucleotide variant.
Coding change: c.3158G>T on transcript NM_001242896.3 (MANE Select); coding-DNA position 3158, G replaced by T.
Protein change: p.Cys1053Phe; replaces cysteine 1053 with phenylalanine.
Molecular consequence: missense variant. On other transcripts: non-coding transcript variant (5).
Genome position (GRCh38, 1-based): chr22:31,857,447, G>T. VCF-style: chr22-31857447-G-T. GRCh37 (hg19) VCF-style: chr22-32253433-G-T.
Other names: c.3131G>T, p.Cys1044Phe (NM_001136029.4, NM_001369903.1, NM_014662.6); c.2924G>T, p.Cys975Phe (NM_001242897.2, NM_001363854.2, NM_001364319.2); c.3158G>T, p.Cys1053Phe (NM_001363852.2, NM_001364318.2, NM_001364320.2); c.3074G>T, p.Cys1025Phe (NM_001369901.1, NM_001369902.1); short protein forms C1053F, C975F, C1025F, C1044F.
Identifiers: ClinVar variation 210845 (VCV000210845.18), dbSNP rs771407307, ClinGen allele CA205617.

ClinVar aggregate classification (germline): Conflicting classifications of pathogenicity. Review status: criteria provided, conflicting classifications (1 of 4 stars). 5 submissions from 5 submitters: Uncertain significance (3); Likely benign (2). Last evaluated 2026-02-03.

Conditions:
Familial focal epilepsy with variable foci (FPEVF). Identifiers: Orphanet 98820, MedGen C1858477, MONDO:0020310.
Inborn genetic diseases. Identifiers: MedGen C0950123, MeSH D030342.

Allele frequency attached by ClinVar (database versions not stated): ExAC 0.00004; gnomAD exomes 0.00001; TOPMed 0.00001.
gnomAD v4.1: 8 of 1,603,618 alleles (0.0005%); highest among the groups gnomAD compares: Non-Finnish European, 0.0006%; no homozygotes.

Submissions (5):

Women's Health and Genetics/Laboratory Corporation of America, LabCorp
Classification: Uncertain significance. Last evaluated: 2026-02-03. Review status: criteria provided, single submitter. Criteria: LabCorp Variant Classification Summary - May 2015. Collection method: clinical testing. Allele origin: germline.
Comment: Variant summary: DEPDC5 c.3158G>T (p.Cys1053Phe) results in a non-conservative amino acid change in the encoded protein sequence near a canonical splice site. Algorithms developed to predict the effect of missense changes on protein structure and function are either unavailable or do not agree on the potential impact of this missense change. Consensus agreement among computation tools predict no significant impact on normal splicing. However, these predictions have yet to be confirmed by functional studies. The variant allele was found at a frequency of 1.3e-05 in 229752 control chromosomes. The available data on variant occurrences in the general population are insufficient to allow any conclusion about variant significance. To our knowledge, no occurrence of c.3158G>T in individuals affected with DEPDC5-related conditions and no experimental evidence demonstrating its impact on protein function have been reported. ClinVar contains an entry for this variant (Variation ID: 210845). Based on the evidence outlined above, the variant was classified as uncertain significance.

Laboratory of Genetics, Children's Clinical University Hospital Latvia
Classification: Likely benign. Last evaluated: 2025-02-16. Review status: criteria provided, single submitter. Criteria: ACMG Guidelines, 2015. Collection method: clinical testing. Allele origin: germline. Affected: yes.

Ambry Genetics
Classification: Likely benign for Inborn genetic diseases. Last evaluated: 2024-06-04. Review status: criteria provided, single submitter. Criteria: Ambry Variant Classification Scheme 2023. Collection method: clinical testing. Allele origin: germline.

Labcorp Genetics (formerly Invitae), Labcorp
Classification: Uncertain significance for Familial focal epilepsy with variable foci. Last evaluated: 2023-10-19. Review status: criteria provided, single submitter. Criteria: Invitae Variant Classification Sherloc (09022015). Collection method: clinical testing. Allele origin: germline.
Comment: This sequence change replaces cysteine, which is neutral and slightly polar, with phenylalanine, which is neutral and non-polar, at codon 1053 of the DEPDC5 protein (p.Cys1053Phe). The frequency data for this variant in the population databases is considered unreliable, as metrics indicate poor data quality at this position in the gnomAD database. This variant has not been reported in the literature in individuals affected with DEPDC5-related conditions. ClinVar contains an entry for this variant (Variation ID: 210845). Experimental studies and prediction algorithms are not available or were not evaluated, and the functional significance of this variant is currently unknown. In summary, the available evidence is currently insufficient to determine the role of this variant in disease. Therefore, it has been classified as a Variant of Uncertain Significance.

Genetic Services Laboratory, University of Chicago
Classification: Uncertain significance. Last evaluated: 2015-02-17. Review status: criteria provided, single submitter. Criteria: ACMG Guidelines, 2015. Collection method: clinical testing. Allele origin: germline.